The following is an entry in ClinVar:

ClinVar aggregate classification (germline): Uncertain significance (1 of 4 stars; one submission).

Conditions:
Autoimmune lymphoproliferative syndrome type 1. Also called: AUTOIMMUNE LYMPHOPROLIFERATIVE SYNDROME, TYPE I, AUTOSOMAL DOMINANT. Identifiers: Orphanet 3261, MedGen C2717884, MONDO:0011158, OMIM 601859.

Allele frequency attached by ClinVar (database versions not stated): gnomAD exomes below 0.00001.
gnomAD v4.1: 1 of 1,612,092 alleles (0.000062%); highest among the groups gnomAD compares: Non-Finnish European, 0.000085%; no homozygotes.

Submission:

Labcorp Genetics (formerly Invitae), Labcorp
Classification: Uncertain significance for Autoimmune lymphoproliferative syndrome. Last evaluated: 2018-12-19. Review status: criteria provided, single submitter. Criteria: Invitae Variant Classification Sherloc (09022015). Collection method: clinical testing. Allele origin: germline.
Comment: This sequence change replaces valine with alanine at codon 248 of the FASLG protein (p.Val248Ala). The valine residue is moderately conserved and there is a small physicochemical difference between valine and alanine. This variant is not present in population databases (ExAC no frequency). This variant has not been reported in the literature in individuals with FASLG-related conditions. Algorithms developed to predict the effect of missense changes on protein structure and function are either unavailable or do not agree on the potential impact of this missense change (SIFT: "Deleterious"; PolyPhen-2: "Benign"; Align-GVGD: "Class C25"). In summary, the available evidence is currently insufficient to determine the role of this variant in disease. Therefore, it has been classified as a Variant of Uncertain Significance.

NM_000639.3(FASLG):c.743T>C (p.Val248Ala)

Gene: FASLG (Fas ligand; plus strand). Cytogenetic location: 1q24.3.
Variant type: single nucleotide variant.
Coding change: c.743T>C on transcript NM_000639.3 (MANE Select); coding-DNA position 743, T replaced by C.
Protein change: p.Val248Ala; replaces valine 248 with alanine.
Molecular consequence: missense variant. On other transcripts: 3 prime UTR variant (1).
Genome position (GRCh38, 1-based): chr1:172,665,913, T>C. VCF-style: chr1-172665913-T-C. GRCh37 (hg19) VCF-style: chr1-172635053-T-C.
Other names: c.*313T>C (NM_001302746.2); short protein forms V248A.
Identifiers: ClinVar variation 657858 (VCV000657858.1), dbSNP rs1571333759, ClinGen allele CA343806537.
Genomic context (GRCh38, chr1:172,665,913, plus strand): 5'-AGATGATGAGCTACTGCACTACTGGGCAGATGTGGGCCCGCAGCAGCTACCTGGGGGCAG[T>C]GTTCAATCTTACCAGTGCTGATCATTTATATGTCAACGTATCTGAGCTCTCTCTGGTCAA-3'
Protein context (NP_000630.1, residues 238-258): MWARSSYLGA[Val248Ala]FNLTSADHLY